The following is an entry in ClinVar:

ClinVar aggregate classification (germline): Uncertain significance. Review status: criteria provided, multiple submitters, no conflicts (2 of 4 stars). 3 submissions from 3 submitters: Uncertain significance (3). Last evaluated 2025-01-02.

Conditions:
Familial hypobetalipoproteinemia 1. Also called: Hypobetalipoproteinemia, normotriglyceridemic; Acanthocytosis with hypobetalipoproteinemia; APOB-Related Familial Hypobetalipoproteinemia. Identifiers: MedGen C4551990, MONDO:0014252, OMIM 615558.
Hypercholesterolemia, autosomal dominant, type B (FHCL2). Also called: Familial Hypercholesterolemia Type B; HYPERCHOLESTEROLEMIA, FAMILIAL, DUE TO LIGAND-DEFECTIVE APOLIPOPROTEIN B; Familial hypercholesterolemia 2; APOB-Related Familial Hypercholesterolemia, Autosomal Dominant; APOLIPOPROTEIN B-100, FAMILIAL DEFECTIVE; APOLIPOPROTEIN B-100, FAMILIAL LIGAND-DEFECTIVE. Identifiers: MedGen C1704417, MONDO:0007751, OMIM 144010.

Allele frequency attached by ClinVar (database versions not stated): gnomAD exomes below 0.00001.
gnomAD v4.1: 6 of 1,613,824 alleles (0.00037%); highest among the groups gnomAD compares: Admixed American, 0.005%; no homozygotes.

Submissions (3):

GeneDx
Classification: Uncertain significance. Last evaluated: 2025-01-02. Review status: criteria provided, single submitter. Criteria: GeneDx Variant Classification Process June 2021. Collection method: clinical testing. Allele origin: germline. Affected: yes.
Comment: Not observed at significant frequency in large population cohorts (gnomAD); In silico analysis supports that this missense variant has a deleterious effect on protein structure/function; Has not been previously published as pathogenic or benign to our knowledge; In silico analysis is inconclusive as to whether the variant alters gene splicing. In the absence of RNA/functional studies, the actual effect of this sequence change is unknown.

Labcorp Genetics (formerly Invitae), Labcorp
Classification: Uncertain significance for Familial hypobetalipoproteinemia 1; Hypercholesterolemia, autosomal dominant, type B. Last evaluated: 2024-06-19. Review status: criteria provided, single submitter. Criteria: Invitae Variant Classification Sherloc (09022015). Collection method: clinical testing. Allele origin: germline.
Comment: This sequence change replaces aspartic acid, which is acidic and polar, with tyrosine, which is neutral and polar, at codon 749 of the APOB protein (p.Asp749Tyr). This variant is not present in population databases (gnomAD no frequency). This variant has not been reported in the literature in individuals affected with APOB-related conditions. ClinVar contains an entry for this variant (Variation ID: 927070). An algorithm developed to predict the effect of missense changes on protein structure and function (PolyPhen-2) suggests that this variant is likely to be disruptive. Algorithms developed to predict the effect of sequence changes on RNA splicing suggest that this variant may disrupt the consensus splice site. In summary, the available evidence is currently insufficient to determine the role of this variant in disease. Therefore, it has been classified as a Variant of Uncertain Significance.

Mendelics
Classification: Uncertain significance. Last evaluated: 2022-05-04. Review status: criteria provided, single submitter. Criteria: Mendelics Assertion Criteria 2019. Collection method: clinical testing. Allele origin: germline.

NM_000384.3(APOB):c.2245G>T (p.Asp749Tyr)

Gene: APOB (apolipoprotein B; minus strand). Cytogenetic location: 2p24.1.
Variant type: single nucleotide variant.
Coding change: c.2245G>T on transcript NM_000384.3 (MANE Select); coding-DNA position 2245, G replaced by T.
Protein change: p.Asp749Tyr; replaces aspartic acid 749 with tyrosine.
Molecular consequence: missense variant.
Genome position (GRCh38, 1-based): chr2:21,025,124, C>A on the plus strand (G>T on the coding strand, the complement: APOB is on the minus strand). VCF-style: chr2-21025124-C-A. GRCh37 (hg19) VCF-style: chr2-21247996-C-A.
Other names: short protein forms D749Y.
Identifiers: ClinVar variation 927070 (VCV000927070.6), dbSNP rs1663700975, ClinGen allele CA346012208.
Genomic context (GRCh38, chr2:21,025,124, plus strand): 5'-CTTTGGATTTCAAATCTTTAATCAGCTTCTCAACACTGAGCATTATTCCATTTACCATAT[C>A]CTGAGAGTTTAGTAATAAAATGGCCAGTGAGATGTCAGCAATGTCAAACACCTTTCAGTT-3'
Protein context (NP_000375.3, residues 739-759): GYTKDDKHEQ[Asp749Tyr]MVNGIMLSVE